The following is an entry in ClinVar:

ClinVar aggregate classification (germline): Uncertain significance (1 of 4 stars; one submission).

Submission:

GeneDx
Classification: Uncertain significance. Last evaluated: 2025-07-08. Review status: criteria provided, single submitter. Criteria: GeneDx Variant Classification Process June 2021. Collection method: clinical testing. Allele origin: germline. Affected: yes.
Comment: Not observed at significant frequency in large population cohorts (gnomAD); In silico analysis supports that this missense variant has a deleterious effect on protein structure/function; Has not been previously published as pathogenic or benign to our knowledge

NM_000097.7(CPOX):c.832G>A (p.Gly278Ser)

Gene: CPOX (coproporphyrinogen oxidase; minus strand). Cytogenetic location: 3q11.2.
Variant type: single nucleotide variant.
Coding change: c.832G>A on transcript NM_000097.7 (MANE Select); coding-DNA position 832, G replaced by A.
Protein change: p.Gly278Ser; replaces glycine 278 with serine.
Molecular consequence: missense variant.
Genome position (GRCh38, 1-based): chr3:98,588,834, C>T on the plus strand (G>A on the coding strand, the complement: CPOX is on the minus strand). VCF-style: chr3-98588834-C-T. GRCh37 (hg19) VCF-style: chr3-98307678-C-T.
Other names: c.832G>A, p.Gly278Ser (LRG_1077t1); short protein forms G278S.
Identifiers: ClinVar variation 429271 (VCV000429271.4), dbSNP rs1131691289, ClinGen allele CA353645562.